The following is an entry in ClinVar:

ClinVar aggregate classification (germline): Conflicting classifications of pathogenicity. Review status: criteria provided, conflicting classifications (1 of 4 stars). 7 submissions from 5 submitters: Uncertain significance (2); Benign (1); Likely benign (4). Last evaluated 2026-01-01.

Conditions:
Dyskeratosis congenita. Identifiers: Orphanet 1775, MedGen C0265965, MONDO:0015780.
Melanoma, cutaneous malignant, susceptibility to, 9. Also called: Cutaneous malignant melanoma 9. Identifiers: Orphanet 618, MedGen C3554574, MONDO:0014056, OMIM 615134.
Pulmonary fibrosis and/or bone marrow failure, Telomere-related, 1. Also called: PULMONARY FIBROSIS AND/OR BONE MARROW FAILURE SYNDROME, TELOMERE-RELATED, 1. Identifiers: Orphanet 88, MedGen C3553617, MONDO:0013878, OMIM 614742.
Dyskeratosis congenita, autosomal dominant 2. Identifiers: MedGen C3151443, MONDO:0013521, OMIM 613989.
Aplastic anemia. Identifiers: Orphanet 182040, Orphanet 88, MedGen C0002874, MONDO:0015909, OMIM 609135, HP:0001915.
Idiopathic Pulmonary Fibrosis. Also called: Idiopathic fibrosing alveolitis, chronic form; idiopathic fibrosing alveolitis. Identifiers: Orphanet 2032, MedGen C1800706, MeSH D054990, MONDO:0800504.

Allele frequency attached by ClinVar (database versions not stated): ExAC 0.00003; gnomAD 0.00004; gnomAD exomes 0.00005 and 0.00006; TOPMed 0.00008.
gnomAD v4.1: 90 of 1,612,924 alleles (0.0056%); highest among the groups gnomAD compares: South Asian, 0.04%; 1 homozygote.

Submissions (7):

CeGaT Center for Human Genetics Tuebingen
Classification: Likely benign. Last evaluated: 2026-01-01. Review status: criteria provided, single submitter. Criteria: CeGaT Center For Human Genetics Tuebingen Variant Classification Criteria Version 2. Collection method: clinical testing. Allele origin: germline. Affected: yes. Observed: 2 variant alleles.
Comment: TERT: BP4, BP7

Labcorp Genetics (formerly Invitae), Labcorp
Classification: Likely benign for Dyskeratosis congenita, autosomal dominant 2; Idiopathic Pulmonary Fibrosis. Last evaluated: 2025-07-17. Review status: criteria provided, single submitter. Criteria: Invitae Variant Classification Sherloc (09022015). Collection method: clinical testing. Allele origin: germline.

KCCC/NGS Laboratory, Kuwait Cancer Control Center
Classification: Benign for Melanoma, cutaneous malignant, susceptibility to, 9. Last evaluated: 2025-02-01. Review status: criteria provided, single submitter. Criteria: ACMG Guidelines, 2015. Collection method: clinical testing. Allele origin: germline. Affected: no.

Ambry Genetics
Classification: Likely benign for Dyskeratosis congenita. Last evaluated: 2022-02-15. Review status: criteria provided, single submitter. Criteria: Ambry Variant Classification Scheme 2023. Collection method: clinical testing. Allele origin: germline.

Illumina Laboratory Services, Illumina
Classification: Likely benign for Pulmonary fibrosis and/or bone marrow failure, Telomere-related, 1. Last evaluated: 2018-01-13. Review status: criteria provided, single submitter. Criteria: ICSL Variant Classification Criteria 13 December 2019. Collection method: clinical testing. Allele origin: germline.
Comment: This variant was observed in the ICSL laboratory as part of a predisposition screen in an ostensibly healthy population. It had not been previously curated by ICSL or reported in the Human Gene Mutation Database (HGMD: prior to June 1st, 2018), and was therefore a candidate for classification through an automated scoring system. Utilizing variant allele frequency, disease prevalence and penetrance estimates, and inheritance mode, an automated score was calculated to assess if this variant is too frequent to cause the disease. Based on the score and internal cut-off values, a variant classified as likely benign is not then subjected to further curation. The score for this variant resulted in a classification of likely benign for this disease.

Illumina Laboratory Services, Illumina
Classification: Uncertain significance for Aplastic anemia. Last evaluated: 2018-01-13. Review status: criteria provided, single submitter. Criteria: ICSL Variant Classification Criteria 13 December 2019. Collection method: clinical testing. Allele origin: germline.

Illumina Laboratory Services, Illumina
Classification: Uncertain significance for Dyskeratosis congenita, autosomal dominant 2. Last evaluated: 2018-01-13. Review status: criteria provided, single submitter. Criteria: ICSL Variant Classification Criteria 13 December 2019. Collection method: clinical testing. Allele origin: germline.

NM_198253.3(TERT):c.2580C>T (p.Asp860=)

Gene: TERT (telomerase reverse transcriptase; minus strand). Cytogenetic location: 5p15.33.
Variant type: single nucleotide variant.
Coding change: c.2580C>T on transcript NM_198253.3 (MANE Select); coding-DNA position 2580, C replaced by T.
Protein change: p.Asp860=; no amino-acid change (aspartic acid 860 retained).
Molecular consequence: synonymous variant. On other transcripts: non-coding transcript variant (2).
Genome position (GRCh38, 1-based): chr5:1,268,522, G>A on the plus strand (C>T on the coding strand, the complement: TERT is on the minus strand). VCF-style: chr5-1268522-G-A. GRCh37 (hg19) VCF-style: chr5-1268637-G-A.
Other names: c.2580C>T, p.Asp860= (NM_001193376.3).
Identifiers: ClinVar variation 471870 (VCV000471870.32), dbSNP rs751752830, ClinGen allele CA3184461.